The following is an entry in ClinVar:

NM_018993.4(RIN2):c.1762+167G>A

Gene: RIN2 (Ras and Rab interactor 2; plus strand). Cytogenetic location: 20p11.23.
Variant type: single nucleotide variant.
Coding change: c.1762+167G>A on transcript NM_018993.4 (MANE Select); 167 bases into the intron after coding-DNA position 1762, G replaced by A.
Molecular consequence: intron variant.
Genome position (GRCh38, 1-based): chr20:19,975,954, G>A. VCF-style: chr20-19975954-G-A. GRCh37 (hg19) VCF-style: chr20-19956598-G-A.
Other names: c.1144+167G>A (NM_001378238.1); c.1909+167G>A (NM_001242581.2).
Identifiers: ClinVar variation 679382 (VCV000679382.2), dbSNP rs78976197, ClinGen allele CA312417152.

ClinVar aggregate classification (germline): Benign. Review status: criteria provided, multiple submitters, no conflicts (2 of 4 stars). 2 submissions from 2 submitters: Benign (2). Last evaluated 2018-06-14.

Allele frequency attached by ClinVar (database versions not stated): 1000 Genomes Project 0.03075; gnomAD 0.03105 and 0.03276; 1000 Genomes Project 30x 0.03264; TOPMed 0.03440.
gnomAD v4.1: 4,687 of 152,250 alleles (3.1%); highest among the groups gnomAD compares: African/African-American, 9.4%; 184 homozygotes.

Submissions (2):

GeneDx
Classification: Benign. Last evaluated: 2018-06-14. Review status: criteria provided, single submitter. Criteria: GeneDx Variant Classification (06012015). Collection method: clinical testing. Allele origin: germline. Affected: yes.
Comment: This variant is considered likely benign or benign based on one or more of the following criteria: it is a conservative change, it occurs at a poorly conserved position in the protein, it is predicted to be benign by multiple in silico algorithms, and/or has population frequency not consistent with disease.

Breakthrough Genomics
Classification: Benign. Review status: criteria provided, single submitter. Criteria: ACMG Guidelines, 2015. Collection method: not provided. Allele origin: germline. Inheritance: Autosomal recessive inheritance. Affected: yes.